The following is an entry in ClinVar:

NM_000384.3(APOB):c.2504C>G (p.Ala835Gly)

Gene: APOB (apolipoprotein B; minus strand). Cytogenetic location: 2p24.1.
Variant type: single nucleotide variant.
Coding change: c.2504C>G on transcript NM_000384.3 (MANE Select); coding-DNA position 2504, C replaced by G.
Protein change: p.Ala835Gly; replaces alanine 835 with glycine.
Molecular consequence: missense variant.
Genome position (GRCh38, 1-based): chr2:21,023,625, G>C on the plus strand (C>G on the coding strand, the complement: APOB is on the minus strand). VCF-style: chr2-21023625-G-C. GRCh37 (hg19) VCF-style: chr2-21246497-G-C.
Other names: c.2504C>G (NM_000384.2); short protein forms A835G.
Identifiers: ClinVar variation 1992254 (VCV001992254.5), dbSNP rs887351339, ClinGen allele CA346011131.
Genomic context (GRCh38, chr2:21,023,625, plus strand): 5'-GCAATGACTCCAGATGAAGATATTTGCAACTGTAATCCAGCTCCAGTGGGGAGTTCAAAG[G>C]CATTCTCCATGAAGATGTAGTGAAGAAAAAAGTCATTCTTTGAGCCCTTCCTGATGACCT-3'
Protein context (NP_000375.3, residues 825-845): FFLHYIFMEN[Ala835Gly]FELPTGAGLQ

ClinVar aggregate classification (germline): Uncertain significance. Review status: criteria provided, multiple submitters, no conflicts (2 of 4 stars). 2 submissions from 2 submitters: Uncertain significance (2). Last evaluated 2023-12-10.

Conditions:
Familial hypobetalipoproteinemia 1. Also called: Hypobetalipoproteinemia, normotriglyceridemic; Acanthocytosis with hypobetalipoproteinemia; APOB-Related Familial Hypobetalipoproteinemia. Identifiers: MedGen C4551990, MONDO:0014252, OMIM 615558.
Hypercholesterolemia, autosomal dominant, type B (FHCL2). Also called: Familial Hypercholesterolemia Type B; APOLIPOPROTEIN B-100, FAMILIAL DEFECTIVE; APOLIPOPROTEIN B-100, FAMILIAL LIGAND-DEFECTIVE; HYPERCHOLESTEROLEMIA, FAMILIAL, DUE TO LIGAND-DEFECTIVE APOLIPOPROTEIN B; Hyperlipoproteinemia Type IIb; APOB-Related Familial Hypercholesterolemia, Autosomal Dominant. Identifiers: MedGen C1704417, MONDO:0007751, OMIM 144010.
Cardiovascular phenotype. Identifiers: MedGen CN230736.

Submissions (2):

Ambry Genetics
Classification: Uncertain significance for Cardiovascular phenotype. Last evaluated: 2023-12-10. Review status: criteria provided, single submitter. Criteria: Ambry Variant Classification Scheme 2023. Collection method: clinical testing. Allele origin: germline.
Comment: The p.A835G variant (also known as c.2504C>G), located in coding exon 17 of the APOB gene, results from a C to G substitution at nucleotide position 2504. The alanine at codon 835 is replaced by glycine, an amino acid with similar properties. This amino acid position is conserved. In addition, this alteration is predicted to be tolerated by in silico analysis. Since supporting evidence is limited at this time, the clinical significance of this alteration remains unclear.

Labcorp Genetics (formerly Invitae), Labcorp
Classification: Uncertain significance for Familial hypobetalipoproteinemia 1; Hypercholesterolemia, autosomal dominant, type B. Last evaluated: 2022-11-22. Review status: criteria provided, single submitter. Criteria: Invitae Variant Classification Sherloc (09022015). Collection method: clinical testing. Allele origin: germline.
Comment: In summary, the available evidence is currently insufficient to determine the role of this variant in disease. Therefore, it has been classified as a Variant of Uncertain Significance. Advanced modeling of protein sequence and biophysical properties (such as structural, functional, and spatial information, amino acid conservation, physicochemical variation, residue mobility, and thermodynamic stability) performed at Invitae indicates that this missense variant is not expected to disrupt APOB protein function. This variant has not been reported in the literature in individuals affected with APOB-related conditions. This variant is not present in population databases (gnomAD no frequency). This sequence change replaces alanine, which is neutral and non-polar, with glycine, which is neutral and non-polar, at codon 835 of the APOB protein (p.Ala835Gly).